The following is an entry in ClinVar:

ClinVar aggregate classification (germline): Likely benign. Review status: criteria provided, multiple submitters, no conflicts (2 of 4 stars). 2 submissions from 2 submitters: Likely benign (2). Last evaluated 2026-03-01.

Allele frequency attached by ClinVar (database versions not stated): ExAC 0.00002; TOPMed 0.00003; gnomAD exomes 0.00003; gnomAD 0.00003.
gnomAD v4.1: 44 of 1,612,572 alleles (0.0027%); highest among the groups gnomAD compares: Admixed American, 0.0033%; no homozygotes.

Submissions (2):

CeGaT Center for Human Genetics Tuebingen
Classification: Likely benign. Last evaluated: 2026-03-01. Review status: criteria provided, single submitter. Criteria: CeGaT Center For Human Genetics Tuebingen Variant Classification Criteria Version 2. Collection method: clinical testing. Allele origin: germline. Affected: yes. Observed: 1 variant allele.
Comment: ITGB4: BP4, BP7

Labcorp Genetics (formerly Invitae), Labcorp
Classification: Likely benign. Last evaluated: 2024-01-18. Review status: criteria provided, single submitter. Criteria: Invitae Variant Classification Sherloc (09022015). Collection method: clinical testing. Allele origin: germline.

NM_000213.5(ITGB4):c.4488C>G (p.Thr1496=)

Genes: GALK1 (galactokinase 1; minus strand), ITGB4 (integrin subunit beta 4; plus strand). Cytogenetic location: 17q25.1.
Variant type: single nucleotide variant.
Coding change: c.4488C>G on transcript NM_000213.5 (MANE Select); coding-DNA position 4488, C replaced by G.
Protein change: p.Thr1496=; no amino-acid change (threonine 1496 retained).
Molecular consequence: synonymous variant. On other transcripts: intron variant (1).
Genome position (GRCh38, 1-based): chr17:75,754,745, C>G. VCF-style: chr17-75754745-C-G. GRCh37 (hg19) VCF-style: chr17-73750826-C-G.
Other names: c.4278C>G, p.Thr1426= (NM_001005619.2, NM_001005731.3, NM_001321123.2 and 1 more transcripts); c.*23-3008G>C (NM_001381985.1).
Identifiers: ClinVar variation 2993968 (VCV002993968.5), dbSNP rs764990936, ClinGen allele CA8770128.
Genomic context (GRCh38, chr17:75,754,745, plus strand): 5'-CGTGCCCCACCGCGTGCTAAGCACATCCTCCACCCTCACACGGGACTACAACTCACTGAC[C>G]CGCTCAGAACACTCACACTCGACCACACTGCCCAGGGACTACTCCACCCTCACCTCCGTC-3'
Protein context (NP_000204.3, residues 1486-1506): STLTRDYNSL[Thr1496=]RSEHSHSTTL